The following is an entry in ClinVar:

NM_002516.4(NOVA2):c.117C>T (p.Ile39=)

Gene: NOVA2 (NOVA alternative splicing regulator 2; minus strand). Cytogenetic location: 19q13.32.
Variant type: single nucleotide variant.
Coding change: c.117C>T on transcript NM_002516.4 (MANE Select); coding-DNA position 117, C replaced by T.
Protein change: p.Ile39=; no amino-acid change (isoleucine 39 retained).
Molecular consequence: synonymous variant.
Genome position (GRCh38, 1-based): chr19:45,961,122, G>A on the plus strand (C>T on the coding strand, the complement: NOVA2 is on the minus strand). VCF-style: chr19-45961122-G-A. GRCh37 (hg19) VCF-style: chr19-46464380-G-A.
Identifiers: ClinVar variation 788024 (VCV000788024.26), dbSNP rs114490786, ClinGen allele CA9525495.

ClinVar aggregate classification (germline): Benign/Likely benign. Review status: criteria provided, multiple submitters, no conflicts (2 of 4 stars). 2 submissions from 2 submitters: Benign (1); Likely benign (1). Last evaluated 2025-12-01.

Allele frequency attached by ClinVar (database versions not stated): gnomAD exomes 0.00050 and 0.00097; ExAC 0.00219; 1000 Genomes Project 0.00240; 1000 Genomes Project 30x 0.00250; gnomAD 0.00331 and 0.00357; ESP Exome Variant Server 0.00346; TOPMed 0.00387.
gnomAD v4.1: 1,250 of 1,600,244 alleles (0.078%); highest among the groups gnomAD compares: African/African-American, 1.2%; 6 homozygotes.

Submissions (2):

CeGaT Center for Human Genetics Tuebingen
Classification: Likely benign. Last evaluated: 2025-12-01. Review status: criteria provided, single submitter. Criteria: CeGaT Center For Human Genetics Tuebingen Variant Classification Criteria Version 2. Collection method: clinical testing. Allele origin: germline. Affected: yes. Observed: 4 variant alleles.
Comment: NOVA2: BP4, BP7, BS1

Labcorp Genetics (formerly Invitae), Labcorp
Classification: Benign. Last evaluated: 2017-08-03. Review status: criteria provided, single submitter. Criteria: Invitae Variant Classification Sherloc (09022015). Collection method: clinical testing. Allele origin: germline.